The following is an entry in ClinVar:

NM_000286.3(PEX12):c.745A>G (p.Thr249Ala)

Gene: PEX12 (peroxisomal biogenesis factor 12; minus strand). Cytogenetic location: 17q12.
Variant type: single nucleotide variant.
Coding change: c.745A>G on transcript NM_000286.3 (MANE Select); coding-DNA position 745, A replaced by G.
Protein change: p.Thr249Ala; replaces threonine 249 with alanine.
Molecular consequence: missense variant.
Genome position (GRCh38, 1-based): chr17:35,576,117, T>C on the plus strand (A>G on the coding strand, the complement: PEX12 is on the minus strand). VCF-style: chr17-35576117-T-C. GRCh37 (hg19) VCF-style: chr17-33903136-T-C.
Other names: short protein forms T249A.
Identifiers: ClinVar variation 1493532 (VCV001493532.5), dbSNP rs371597789, ClinGen allele CA8504847.
Genomic context (GRCh38, chr17:35,576,117, plus strand): 5'-TTTCAGATGAGTACCACCAGTCAAGGAACTGCAAGAAGAATACACCCACAGAAAGGCCAG[T>C]AGACAGGGATAAGGCAACACCCCCAACAGCTTTCTTCAGAGCTGAGTTTATCTTCTCACT-3'
Protein context (NP_000277.1, residues 239-259): AVGGVALSLS[Thr249Ala]GLSVGVFFLQ

ClinVar aggregate classification (germline): Uncertain significance (1 of 4 stars; one submission).

Conditions:
Peroxisome biogenesis disorder 3A (Zellweger). Also called: Peroxisome biogenesis disorder 3A; PEROXISOMAL BIOGENESIS DISORDER 3A (ZELLWEGER). Identifiers: Orphanet 912, MedGen C3553929, MONDO:0013927, OMIM 614859.

Allele frequency attached by ClinVar (database versions not stated): gnomAD exomes below 0.00001 and 0.00002; ExAC 0.00002; gnomAD 0.00005 and 0.00006; TOPMed 0.00005; ESP Exome Variant Server 0.00008.

Submission:

Labcorp Genetics (formerly Invitae), Labcorp
Classification: Uncertain significance for Peroxisome biogenesis disorder 3A (Zellweger). Last evaluated: 2022-11-01. Review status: criteria provided, single submitter. Criteria: Invitae Variant Classification Sherloc (09022015). Collection method: clinical testing. Allele origin: germline.
Comment: This sequence change replaces threonine, which is neutral and polar, with alanine, which is neutral and non-polar, at codon 249 of the PEX12 protein (p.Thr249Ala). This variant is present in population databases (rs371597789, gnomAD 0.02%). This variant has not been reported in the literature in individuals affected with PEX12-related conditions. ClinVar contains an entry for this variant (Variation ID: 1493532). Advanced modeling of protein sequence and biophysical properties (such as structural, functional, and spatial information, amino acid conservation, physicochemical variation, residue mobility, and thermodynamic stability) performed at Invitae indicates that this missense variant is not expected to disrupt PEX12 protein function. In summary, the available evidence is currently insufficient to determine the role of this variant in disease. Therefore, it has been classified as a Variant of Uncertain Significance.